The following is an entry in ClinVar:

NM_004655.4(AXIN2):c.975T>C (p.Tyr325=)

Gene: AXIN2 (axin 2; minus strand). Cytogenetic location: 17q24.1.
Variant type: single nucleotide variant.
Coding change: c.975T>C on transcript NM_004655.4 (MANE Select); coding-DNA position 975, T replaced by C.
Protein change: p.Tyr325=; no amino-acid change (tyrosine 325 retained).
Molecular consequence: synonymous variant.
Genome position (GRCh38, 1-based): chr17:65,541,539, A>G on the plus strand (T>C on the coding strand, the complement: AXIN2 is on the minus strand). VCF-style: chr17-65541539-A-G. GRCh37 (hg19) VCF-style: chr17-63537657-A-G.
Other names: c.975T>C (LRG_296t1); c.975T>C, p.Tyr325= (NM_001363813.1).
Identifiers: ClinVar variation 533259 (VCV000533259.14), dbSNP rs1555579360, ClinGen allele CA501476516.

ClinVar aggregate classification (germline): Benign/Likely benign. Review status: criteria provided, multiple submitters, no conflicts (2 of 4 stars). 3 submissions from 3 submitters: Benign (1); Likely benign (2). Last evaluated 2025-05-07.

Conditions:
Hereditary cancer-predisposing syndrome. Also called: Hereditary neoplastic syndrome; Neoplastic Syndromes, Hereditary; Tumor predisposition; Hereditary Cancer Syndrome. Identifiers: Orphanet 140162, MedGen C0027672, MeSH D009386, MONDO:0015356.
Oligodontia-cancer predisposition syndrome. Also called: TOOTH AGENESIS-COLORECTAL CANCER SYNDROME. Identifiers: Orphanet 300576, MedGen C1837750, MONDO:0012075, OMIM 608615. Disease mechanism: loss of function.

Allele frequency attached by ClinVar (database versions not stated): gnomAD exomes below 0.00001; gnomAD 0.00001.
gnomAD v4.1: 3 of 1,613,942 alleles (0.00019%); highest among the groups gnomAD compares: Admixed American, 0.0017%; no homozygotes.

Submissions (3):

Labcorp Genetics (formerly Invitae), Labcorp
Classification: Likely benign for Oligodontia-cancer predisposition syndrome. Last evaluated: 2025-05-07. Review status: criteria provided, single submitter. Criteria: Invitae Variant Classification Sherloc (09022015). Collection method: clinical testing. Allele origin: germline.

Myriad Genetics, Inc.
Classification: Benign for Oligodontia-cancer predisposition syndrome. Last evaluated: 2024-06-28. Review status: criteria provided, single submitter. Criteria: Myriad Autosomal Dominant, Autosomal Recessive and X-Linked Classification Criteria (2023). Collection method: clinical testing. Allele origin: unknown.
Comment: This variant is considered benign. This variant is a silent/synonymous amino acid change and it is not expected to impact splicing.

Ambry Genetics
Classification: Likely benign for Hereditary cancer-predisposing syndrome. Last evaluated: 2020-12-25. Review status: criteria provided, single submitter. Criteria: Ambry Variant Classification Scheme 2023. Collection method: clinical testing. Allele origin: germline.